The following is an entry in ClinVar:

NM_001083962.2(TCF4):c.1356del (p.Thr453fs)

Genes: TCF4 (transcription factor 4; minus strand), LOC121627832 (Sharpr-MPRA regulatory region 5538; plus strand). Cytogenetic location: 18q21.2.
Variant type: Deletion.
Coding change: c.1356del on transcript NM_001083962.2 (MANE Select); coding-DNA position 1356, one base deleted (G; older notation c.1356delG).
Protein change: p.Thr453fs; shifts the reading frame from threonine 453.
Molecular consequence: frameshift variant.
Genome position (GRCh38, 1-based): chr18:55,234,678, C deleted on the plus strand (G on the coding strand, the reverse complement: TCF4 is on the minus strand); the first of 4 consecutive C bases (chr18:55,234,678-55,234,681); deleting any one gives the same sequence. VCF-style (leftmost placement, unchanged base first): chr18-55234677-TC-T. GRCh37 (hg19) VCF-style: chr18-52901908-TC-T.
Other names: c.1662del, p.Thr555fs (NM_001243226.3); c.1284del, p.Thr429fs (NM_001243227.2, NM_001306207.1, NM_001348217.1 and 5 more transcripts); c.1374del, p.Thr459fs (NM_001243228.2); c.1347del, p.Thr450fs (NM_001243230.2); c.1230del, p.Thr411fs (NM_001243231.2, NM_001348211.2); c.1143del, p.Thr382fs (NM_001243232.1, NM_001306208.1); c.966del, p.Thr323fs (NM_001243233.2, NM_001330605.3, NM_001348212.2 and 1 more transcripts); c.876del, p.Thr293fs (NM_001243234.2, NM_001243235.2, NM_001243236.2 and 1 more transcripts); and 6 more; short protein forms T237fs, T292fs, T293fs, T323fs, T382fs, T411fs, T428fs, T429fs.
Identifiers: ClinVar variation 1806121 (VCV001806121.2), dbSNP rs2511637381, ClinGen allele CA1139532850.

ClinVar aggregate classification (germline): Pathogenic. Review status: criteria provided, multiple submitters, no conflicts (2 of 4 stars). 2 submissions from 2 submitters: Pathogenic (2). Last evaluated 2020-11-17.

Conditions:
Pitt-Hopkins syndrome (PTHS). Also called: ENCEPHALOPATHY, SEVERE EPILEPTIC, WITH AUTONOMIC DYSFUNCTION; MENTAL RETARDATION, SYNDROMAL, WITH INTERMITTENT HYPERVENTILATION. Identifiers: Orphanet 2896, MedGen C1970431, MONDO:0012589, OMIM 610954.
TCF4-related disorder. Also called: TCF4-related condition.

Submissions (2):

Blueprint Genetics
Classification: Pathogenic for TCF4-related disorders. Last evaluated: 2020-11-17. Review status: criteria provided, single submitter. Criteria: ACMG Guidelines, 2015. Collection method: clinical testing. Allele origin: de novo. Affected: yes. Observed: 1 variant allele.

Victorian Clinical Genetics Services, Murdoch Childrens Research Institute
Classification: Pathogenic for Pitt-Hopkins syndrome. Last evaluated: 2020-10-19. Review status: criteria provided, single submitter. Criteria: ACMG Guidelines, 2015. Collection method: clinical testing. Allele origin: germline. Inheritance: Autosomal dominant inheritance. Affected: yes.
Comment: Based on the classification scheme VCGS_Germline_v1.3.3, this variant is classified as Pathogenic. Following criteria are met: 0102 - Loss of function is a known mechanism of disease in this gene and is associated with Pitt-Hopkins syndrome (MIM#610954). (I) 0107 - This gene is associated with autosomal dominant disease. (I) 0201 - Variant is predicted to cause nonsense-mediated decay (NMD) and loss of protein (premature termination codon is located at least 54 nucleotides upstream of the final exon-exon junction). (SP) 0251 - This variant is heterozygous. (I) 0301 - Variant is absent from gnomAD (both v2 and v3). (SP) 0701 - Other NMD predicted variants comparable to the one identified in this case have very strong previous evidence for pathogenicity. Other variants predicted to cause NMD have been reported as pathogenic in individuals with Pitt-Hopkins syndrome (ClinVar). (SP) 0807 - This variant has no previous evidence of pathogenicity. (I) 0905 - No published segregation evidence has been identified for this variant. (I) 1007 - No published functional evidence has been identified for this variant. (I) 1208 - Inheritance information for this variant is not currently available in this individual. (I) Legend: (SP) - Supporting pathogenic, (I) - Information, (SB) - Supporting benign